The following is an entry in ClinVar:

NM_000540.3(RYR1):c.2658C>A (p.Ile886=)

Gene: RYR1 (ryanodine receptor 1; plus strand). Cytogenetic location: 19q13.2.
Variant type: single nucleotide variant.
Coding change: c.2658C>A on transcript NM_000540.3 (MANE Select); coding-DNA position 2658, C replaced by A.
Protein change: p.Ile886=; no amino-acid change (isoleucine 886 retained).
Molecular consequence: synonymous variant.
Genome position (GRCh38, 1-based): chr19:38,463,503, C>A. VCF-style: chr19-38463503-C-A. GRCh37 (hg19) VCF-style: chr19-38954143-C-A.
Other names: c.2658C>A, p.Ile886= (NM_001042723.2).
Identifiers: ClinVar variation 2911030 (VCV002911030.4), dbSNP rs148094797, ClinGen allele CA063672.

ClinVar aggregate classification (germline): Conflicting classifications of pathogenicity. Review status: criteria provided, conflicting classifications (1 of 4 stars). 2 submissions from 2 submitters: Uncertain significance (1); Likely benign (1). Last evaluated 2025-01-21.

Conditions:
Malignant hyperthermia, susceptibility to, 1 (MHS1). Also called: Malignant hyperthermia suceptibility 1; Anesthesia related hyperthermia; Malignant hyperpyrexia; Fulminating hyperpyrexia; Pharmacogenic myopathy; RYR1-Related Malignant Hyperthermia Susceptibility. Identifiers: Orphanet 423, MedGen C2930980, MONDO:0007783, OMIM 145600.
RYR1-related disorder. Also called: RYR1-related disorders; RYR1-related condition. Identifiers: MedGen CN239331.

Allele frequency attached by ClinVar (database versions not stated): 1000 Genomes Project 30x 0.00016; 1000 Genomes Project 0.00020.
gnomAD v4.1: 9 of 1,613,044 alleles (0.00056%); highest among the groups gnomAD compares: African/African-American, 0.0093%; no homozygotes.

Submissions (2):

Labcorp Genetics (formerly Invitae), Labcorp
Classification: Likely benign for RYR1-related disorder. Last evaluated: 2025-01-21. Review status: criteria provided, single submitter. Criteria: Invitae Variant Classification Sherloc (09022015). Collection method: clinical testing. Allele origin: germline.

All of Us Research Program, National Institutes of Health
Classification: Uncertain significance for Malignant hyperthermia, susceptibility to, 1. Last evaluated: 2023-10-23. Review status: criteria provided, single submitter. Criteria: ACMG Guidelines, 2015. Collection method: clinical testing. Allele origin: germline. Inheritance: Autosomal dominant inheritance. Observed: 1 variant allele, 1 heterozygote.
Comment: This variant is located in the RYR1 protein. To our knowledge, functional studies have not been reported for this variant. This variant has not been reported in individuals affected with RYR1-related disorders in the literature. This variant has been identified in 4/249342 chromosomes in the general population by the Genome Aggregation Database (gnomAD). The available evidence is insufficient to determine the role of this variant in disease conclusively. Therefore, this variant is classified as a Variant of Uncertain Significance.

This study involves interpretation of variants in research participants for the purpose of population health screening. Participant phenotype was not available at the time of variant classification. Additional details can be found in publication PMID: 35346344, PMCID: PMC8962531